The following is an entry in ClinVar:

NM_019109.5(ALG1):c.739C>T (p.Arg247Cys)

Gene: ALG1 (ALG1 chitobiosyldiphosphodolichol beta-mannosyltransferase; plus strand). Cytogenetic location: 16p13.3.
Variant type: single nucleotide variant.
Coding change: c.739C>T on transcript NM_019109.5 (MANE Select); coding-DNA position 739, C replaced by T.
Protein change: p.Arg247Cys; replaces arginine 247 with cysteine.
Molecular consequence: missense variant.
Genome position (GRCh38, 1-based): chr16:5,078,016, C>T. VCF-style: chr16-5078016-C-T. GRCh37 (hg19) VCF-style: chr16-5128017-C-T.
Other names: p.Arg247Cys; c.739C>T (NM_019109.4); c.406C>T, p.Arg136Cys (NM_001330504.2); short protein forms R136C, R247C.
Identifiers: ClinVar variation 1447380 (VCV001447380.8), dbSNP rs749270254, ClinGen allele CA7889974.

ClinVar aggregate classification (germline): Conflicting classifications of pathogenicity. Review status: criteria provided, conflicting classifications (1 of 4 stars). 6 submissions from 6 submitters: Uncertain significance (5); Likely benign (1). Last evaluated 2026-01-29.

Conditions:
Inborn genetic diseases. Identifiers: MedGen C0950123, MeSH D030342.
ALG1-congenital disorder of glycosylation. Also called: CONGENITAL DISORDER OF GLYCOSYLATION, TYPE Ik; CDG Ik; ALG1-CDG. Identifiers: Orphanet 79327, MedGen C2931005, MONDO:0012052, OMIM 608540.

Allele frequency attached by ClinVar (database versions not stated): ExAC 0.00003; gnomAD exomes 0.00005.

Submissions (6):

GeneDx
Classification: Uncertain significance. Last evaluated: 2026-01-29. Review status: criteria provided, single submitter. Criteria: GeneDx Variant Classification Process June 2021. Collection method: clinical testing. Allele origin: germline.
Comment: Identified in the heterozygous state in a patient with congenital nephrotic syndrome in published literature; this individual harbored variants in other genes that may contribute to the phenotype (PMID: 40761226); Not observed at significant frequency in large population cohorts (gnomAD); In silico analysis suggests that this missense variant does not alter protein structure/function; This variant is associated with the following publications: (PMID: 40761226)

Ambry Genetics
Classification: Likely benign for Inborn genetic diseases. Last evaluated: 2025-03-22. Review status: criteria provided, single submitter. Criteria: Ambry Variant Classification Scheme 2023. Collection method: clinical testing. Allele origin: germline.

Mayo Clinic Laboratories, Mayo Clinic
Classification: Uncertain significance. Last evaluated: 2023-05-24. Review status: criteria provided, single submitter. Criteria: ACMG Guidelines, 2015. Collection method: clinical testing. Allele origin: germline. Observed: 2 variant alleles.
Comment: BP4

Labcorp Genetics (formerly Invitae), Labcorp
Classification: Uncertain significance for ALG1-congenital disorder of glycosylation. Last evaluated: 2022-08-16. Review status: criteria provided, single submitter. Criteria: Invitae Variant Classification Sherloc (09022015). Collection method: clinical testing. Allele origin: germline.
Comment: This sequence change replaces arginine, which is basic and polar, with cysteine, which is neutral and slightly polar, at codon 247 of the ALG1 protein (p.Arg247Cys). This variant has not been reported in the literature in individuals affected with ALG1-related conditions. Algorithms developed to predict the effect of missense changes on protein structure and function output the following: SIFT: "Tolerated"; PolyPhen-2: "Benign"; Align-GVGD: "Class C0". The cysteine amino acid residue is found in multiple mammalian species, which suggests that this missense change does not adversely affect protein function.

Fulgent Genetics
Classification: Uncertain significance for ALG1-congenital disorder of glycosylation. Last evaluated: 2021-07-07. Review status: criteria provided, single submitter. Criteria: ACMG Guidelines, 2015. Collection method: clinical testing. Allele origin: unknown.

Breakthrough Genomics
Classification: Uncertain significance. Review status: criteria provided, single submitter. Criteria: ACMG Guidelines, 2015. Collection method: not provided. Allele origin: germline. Inheritance: Autosomal recessive inheritance. Affected: yes.